The following is an entry in ClinVar:

ClinVar aggregate classification (germline): Pathogenic. Review status: criteria provided, multiple submitters, no conflicts (2 of 4 stars). 5 submissions from 5 submitters: Pathogenic (4). 1 of the submissions does not count toward it. Last evaluated 2023-12-18.

Conditions:
Hereditary cancer-predisposing syndrome. Also called: Hereditary neoplastic syndrome; Tumor predisposition; Neoplastic Syndromes, Hereditary; Hereditary Cancer Syndrome. Identifiers: Orphanet 140162, MedGen C0027672, MeSH D009386, MONDO:0015356.
Hereditary breast ovarian cancer syndrome. Also called: Hereditary breast and ovarian cancer syndrome (HBOC); Hereditary breast and/or ovarian cancer syndrome; Hereditary breast and ovarian cancer; BRCA1- and BRCA2-Associated Hereditary Breast and Ovarian Cancer; Hereditary breast and ovarian cancer syndrome; Breast and ovarian cancer. Identifiers: Orphanet 145, MedGen C0677776, MeSH D061325, MONDO:0003582. Disease mechanism: loss of function.
Breast-ovarian cancer, familial, susceptibility to, 1 (BROVCA1). Also called: BRCA1 Hereditary Breast and Ovarian Cancer; OVARIAN CANCER, SUSCEPTIBILITY TO. Identifiers: Orphanet 145, MedGen C2676676, MONDO:0011450, OMIM 604370. Disease mechanism: loss of function.

Submissions (5):

Quest Diagnostics Nichols Institute San Juan Capistrano
Classification: Pathogenic. Last evaluated: 2023-12-18. Review status: criteria provided, single submitter. Criteria: Quest Diagnostics criteria. Collection method: clinical testing. Allele origin: unknown.
Comment: The BRCA1 c.3205C>T (p.Gln1069*) variant causes the premature termination of BRCA1 protein synthesis. In the published literature, this variant has been reported in an individual with breast cancer (PMID: 28477318 (2017)). This variant has not been reported in large, multi-ethnic general populations (Genome Aggregation Database). Based on the available information, this variant is classified as pathogenic.

Labcorp Genetics (formerly Invitae), Labcorp
Classification: Pathogenic for Hereditary breast ovarian cancer syndrome. Last evaluated: 2023-06-04. Review status: criteria provided, single submitter. Criteria: Invitae Variant Classification Sherloc (09022015). Collection method: clinical testing. Allele origin: germline.
Comment: This variant is not present in population databases (gnomAD no frequency). This sequence change creates a premature translational stop signal (p.Gln1069*) in the BRCA1 gene. It is expected to result in an absent or disrupted protein product. Loss-of-function variants in BRCA1 are known to be pathogenic (PMID: 20104584). This premature translational stop signal has been observed in individual(s) with hereditary breast and ovarian cancer syndrome (PMID: 28477318). For these reasons, this variant has been classified as Pathogenic. ClinVar contains an entry for this variant (Variation ID: 923489).

Color Diagnostics, LLC DBA Color Health
Classification: Pathogenic for Hereditary cancer-predisposing syndrome. Last evaluated: 2020-03-12. Review status: criteria provided, single submitter. Criteria: ACMG Guidelines, 2015. Collection method: clinical testing. Allele origin: germline.
Comment: This variant changes 1 nucleotide in exon 10 of the BRCA1 gene, creating a premature translation stop signal. This variant is expected to result in an absent or non-functional protein product. To our knowledge, this variant has been reported in an individual affected with breast cancer (PMID 28477318). This variant has not been identified in the general population by the Genome Aggregation Database (gnomAD). Loss of BRCA1 function is a known mechanism of disease. Based on the available evidence, this variant is classified as Pathogenic.

Ambry Genetics
Classification: Pathogenic for Hereditary cancer-predisposing syndrome. Last evaluated: 2015-12-15. Review status: criteria provided, single submitter. Criteria: Ambry Variant Classification Scheme 2023. Collection method: clinical testing. Allele origin: germline.
Comment: The p.Q1069* pathogenic mutation (also known as c.3205C>T), located in coding exon 9 of the BRCA1 gene, results from a C to T substitution at nucleotide position 3205. This changes the amino acid from a glutamine to a stop codon within coding exon 9. Since premature stop codons are typically deleterious in nature, this alteration is interpreted as a disease-causing mutation (ACMG Recommendations for Standards for Interpretation and Reporting of Sequence Variations. Revision 2007. Genet Med. 2008;10:294).

Molecular Oncology, Hospital Universitario Central de Asturias (HUCA)
Classification: Pathogenic for Breast-ovarian cancer, familial, susceptibility to, 1. Last evaluated: 2021-05-24. Review status: no assertion criteria provided. Collection method: case-control. Allele origin: germline. Affected: yes. Not counted in ClinVar's aggregate classification.

Literature cited by the submitters: PubMed 28477318 (cited by Quest Diagnostics Nichols Institute San Juan Capistrano and Labcorp Genetics (formerly Invitae), Labcorp); PubMed 20104584 (cited by Labcorp Genetics (formerly Invitae), Labcorp); PubMed 38922859 (cited by Molecular Oncology, Hospital Universitario Central de Asturias (HUCA)).

NM_007294.4(BRCA1):c.3205C>T (p.Gln1069Ter)

Gene: BRCA1 (BRCA1 DNA repair associated; minus strand). Cytogenetic location: 17q21.31.
Variant type: single nucleotide variant.
Coding change: c.3205C>T on transcript NM_007294.4 (MANE Select); coding-DNA position 3205, C replaced by T.
Protein change: p.Gln1069Ter; replaces glutamine 1069 with a stop codon.
Molecular consequence: nonsense. On other transcripts: intron variant (137).
Genome position (GRCh38, 1-based): chr17:43,092,326, G>A on the plus strand (C>T on the coding strand, the complement: BRCA1 is on the minus strand). VCF-style: chr17-43092326-G-A. GRCh37 (hg19) VCF-style: chr17-41244343-G-A.
Other names: c.665-1294C>T (NM_001408438.1, NM_001408430.1, NM_001408427.1 and 12 more transcripts); c.671-1294C>T (NM_001408423.1, NM_001408420.1, NM_001408419.1 and 2 more transcripts); c.788-1294C>T (NM_001408404.1, NM_001408472.1, NM_001407990.1 and 17 more transcripts); c.788-187C>T (NM_001407969.1, NM_001407968.1); c.578-1294C>T (NM_001408492.1, NM_001408513.1, NM_001408489.1 and 9 more transcripts); c.644-1294C>T (NM_001408468.1, NM_001408465.1, NM_001408463.1 and 3 more transcripts); c.524-1294C>T (NM_001408501.1, NM_001408500.1, NM_001408497.1 and 3 more transcripts); c.647-1294C>T (NM_001408455.1, NM_001408466.1, NM_001408452.1 and 11 more transcripts); and 41 more; short protein forms Q1022*, Q1069*, Q1027*, Q901*, Q957*, Q998*, Q1002*, Q1042*.
Identifiers: ClinVar variation 923489 (VCV000923489.18), dbSNP rs2053627043, ClinGen allele CA10595568.